The following is an entry in ClinVar:

ClinVar aggregate classification (germline): Uncertain significance (1 of 4 stars; one submission).

Conditions:
Werner syndrome (WRN). Identifiers: Orphanet 902, MedGen C0043119, MONDO:0010196, OMIM 277700.

Submission:

Labcorp Genetics (formerly Invitae), Labcorp
Classification: Uncertain significance for Werner syndrome. Last evaluated: 2023-06-23. Review status: criteria provided, single submitter. Criteria: Invitae Variant Classification Sherloc (09022015). Collection method: clinical testing. Allele origin: germline.
Comment: ClinVar contains an entry for this variant (Variation ID: 1022753). In summary, the available evidence is currently insufficient to determine the role of this variant in disease. Therefore, it has been classified as a Variant of Uncertain Significance. An algorithm developed to predict the effect of missense changes on protein structure and function (PolyPhen-2) suggests that this variant is likely to be disruptive. This variant has not been reported in the literature in individuals affected with WRN-related conditions. This variant is not present in population databases (gnomAD no frequency). This sequence change replaces valine, which is neutral and non-polar, with leucine, which is neutral and non-polar, at codon 552 of the WRN protein (p.Val552Leu).

NM_000553.6(WRN):c.1654G>C (p.Val552Leu)

Gene: WRN (WRN RecQ like helicase; plus strand). Cytogenetic location: 8p12.
Variant type: single nucleotide variant.
Coding change: c.1654G>C on transcript NM_000553.6 (MANE Select); coding-DNA position 1654, G replaced by C.
Protein change: p.Val552Leu; replaces valine 552 with leucine.
Molecular consequence: missense variant.
Genome position (GRCh38, 1-based): chr8:31,090,466, G>C. VCF-style: chr8-31090466-G-C. GRCh37 (hg19) VCF-style: chr8-30947982-G-C.
Other names: short protein forms V552L.
Identifiers: ClinVar variation 1022753 (VCV001022753.3), dbSNP rs1250329020, ClinGen allele CA370926733.
Genomic context (GRCh38, chr8:31,090,466, plus strand): 5'-TTTGTACCTTGGGTTTCTTATTAATAAAACAAAATAGCTTTTTGCTTTTCACCTTCAAGA[G>C]TTCAGTGGAAAGTGATTCATTCAGTATTAGAAGAAAGAAGAGATAATGTTGCTGTCATGG-3'
Protein context (NP_000544.2, residues 542-562): MYFGHSSFKP[Val552Leu]QWKVIHSVLE